The following is an entry in ClinVar:

NM_000368.5(TSC1):c.1621G>A (p.Asp541Asn)

Gene: TSC1 (TSC complex subunit 1; minus strand). Cytogenetic location: 9q34.13.
Variant type: single nucleotide variant.
Coding change: c.1621G>A on transcript NM_000368.5 (MANE Select); coding-DNA position 1621, G replaced by A.
Protein change: p.Asp541Asn; replaces aspartic acid 541 with asparagine.
Molecular consequence: missense variant. On other transcripts: non-coding transcript variant (5).
Genome position (GRCh38, 1-based): chr9:132,905,957, C>T on the plus strand (G>A on the coding strand, the complement: TSC1 is on the minus strand). VCF-style: chr9-132905957-C-T. GRCh37 (hg19) VCF-style: chr9-135781344-C-T.
Other names: c.1618G>A, p.Asp540Asn (NM_001162426.2, NM_001406597.1, NM_001406598.1 and 6 more transcripts); c.1468G>A, p.Asp490Asn (NM_001162427.2, NM_001406610.1); c.1258G>A, p.Asp420Asn (NM_001362177.2, NM_001406614.1, NM_001406615.1 and 5 more transcripts); c.1621G>A, p.Asp541Asn (NM_001406592.1, NM_001406593.1, NM_001406594.1 and 7 more transcripts); c.1465G>A, p.Asp489Asn (NM_001406611.1, NM_001406612.1, NM_001406613.1); c.667G>A, p.Asp223Asn (NM_001406627.1, NM_001406628.1); c.568G>A, p.Asp190Asn (NM_001406629.1, NM_001406630.1); c.1255G>A, p.Asp419Asn (NM_001406620.1, NM_001406621.1, NM_001406622.1 and 2 more transcripts); and 1 more; short protein forms D419N, D224N, D540N, D541N, D420N, D190N, D223N, D489N.
Identifiers: ClinVar variation 2692683 (VCV002692683.3), dbSNP rs2538733131, ClinGen allele CA375364663.
Genomic context (GRCh38, chr9:132,905,957, plus strand): 5'-TGCCGCAGGGCAGGTCTATGGGAGTAAAGGCTTGCTTTGGTGTGTCAGGCCCAAGCTTGT[C>T]CAGGGAGGAGTGTAAAGGCTCAGGGTTCACGCTGGCGCCCTGAGAACTGGAGGCTGCCGA-3'
Protein context (NP_000359.1, residues 531-551): VNPEPLHSSL[Asp541Asn]KLGPDTPKQA

ClinVar aggregate classification (germline): Uncertain significance (1 of 4 stars; one submission).

Conditions:
Tuberous sclerosis 1 (TSC1). Identifiers: Orphanet 805, MedGen C1854465, MONDO:0008612, OMIM 191100.

Submission:

Labcorp Genetics (formerly Invitae), Labcorp
Classification: Uncertain significance for Tuberous sclerosis 1. Last evaluated: 2023-11-02. Review status: criteria provided, single submitter. Criteria: Invitae Variant Classification Sherloc (09022015). Collection method: clinical testing. Allele origin: germline.
Comment: This sequence change replaces aspartic acid, which is acidic and polar, with asparagine, which is neutral and polar, at codon 541 of the TSC1 protein (p.Asp541Asn). This variant is not present in population databases (gnomAD no frequency). This variant has not been reported in the literature in individuals affected with TSC1-related conditions. Advanced modeling of protein sequence and biophysical properties (such as structural, functional, and spatial information, amino acid conservation, physicochemical variation, residue mobility, and thermodynamic stability) performed at Invitae indicates that this missense variant is not expected to disrupt TSC1 protein function with a negative predictive value of 95%. In summary, the available evidence is currently insufficient to determine the role of this variant in disease. Therefore, it has been classified as a Variant of Uncertain Significance.